The following is an entry in ClinVar:

NM_033641.4(COL4A6):c.4582A>C (p.Ile1528Leu)

Gene: COL4A6 (collagen type IV alpha 6 chain; minus strand). Cytogenetic location: Xq22.3.
Variant type: single nucleotide variant.
Coding change: c.4582A>C on transcript NM_033641.4 (MANE Select); coding-DNA position 4582, A replaced by C.
Protein change: p.Ile1528Leu; replaces isoleucine 1528 with leucine.
Molecular consequence: missense variant.
Genome position (GRCh38, 1-based): chrX:108,159,692, T>G on the plus strand (A>C on the coding strand, the complement: COL4A6 is on the minus strand). VCF-style: chrX-108159692-T-G. GRCh37 (hg19) VCF-style: chrX-107402922-T-G.
Other names: c.4633A>C, p.Ile1545Leu (NM_001287758.2); c.4510A>C, p.Ile1504Leu (NM_001287759.2); c.4411A>C, p.Ile1471Leu (NM_001287760.2); c.4585A>C, p.Ile1529Leu (NM_001847.4); short protein forms I1471L, I1504L, I1528L, I1529L, I1545L.
Identifiers: ClinVar variation 5002459 (VCV005002459.1).

ClinVar aggregate classification (germline): Uncertain significance (1 of 4 stars; one submission).

Conditions:
COL4A6-related disorder. Also called: COL4A6-related condition.

Submission:

PreventionGenetics, part of Exact Sciences
Classification: Uncertain significance for COL4A6-related condition. Last evaluated: 2025-04-09. Review status: criteria provided, single submitter. Criteria: ACMG Guidelines, 2015. Collection method: clinical testing. Allele origin: germline.
Comment: The COL4A6 c.4585A>C variant is predicted to result in the amino acid substitution p.Ile1529Leu. To our knowledge, this variant has not been reported in the literature or in a large population database (gnomAD), indicating this variant is rare. At this time, the clinical significance of this variant is uncertain due to the absence of conclusive functional and genetic evidence.